The following is an entry in ClinVar:

ClinVar aggregate classification (germline): Uncertain significance. Review status: criteria provided, multiple submitters, no conflicts (2 of 4 stars). 2 submissions from 2 submitters: Uncertain significance (2). Last evaluated 2024-07-01.

Conditions:
Desbuquois dysplasia 1 (DBQD1). Also called: MICROMELIC DWARFISM WITH VERTEBRAL AND METAPHYSEAL ABNORMALITIES AND ADVANCED CARPOTARSAL OSSIFICATION; DESBUQUOIS DYSPLASIA 1, KIM VARIANT. Identifiers: Orphanet 1425, MedGen C4012146, MONDO:0009629, OMIM 251450.
Inborn genetic diseases. Identifiers: MedGen C0950123, MeSH D030342.

Allele frequency attached by ClinVar (database versions not stated): ExAC 0.00007; TOPMed 0.00011; gnomAD 0.00015; gnomAD exomes 0.00018.
gnomAD v4.1: 314 of 1,614,076 alleles (0.019%); highest among the groups gnomAD compares: Non-Finnish European, 0.023%; no homozygotes.

Submissions (2):

Labcorp Genetics (formerly Invitae), Labcorp
Classification: Uncertain significance for Desbuquois dysplasia 1. Last evaluated: 2024-07-01. Review status: criteria provided, single submitter. Criteria: Invitae Variant Classification Sherloc (09022015). Collection method: clinical testing. Allele origin: germline.
Comment: This sequence change replaces threonine, which is neutral and polar, with isoleucine, which is neutral and non-polar, at codon 172 of the XYLT1 protein (p.Thr172Ile). This variant is present in population databases (rs772544986, gnomAD 0.02%). This variant has not been reported in the literature in individuals affected with XYLT1-related conditions. ClinVar contains an entry for this variant (Variation ID: 2066453). An algorithm developed to predict the effect of missense changes on protein structure and function (PolyPhen-2) suggests that this variant¬†is likely to be tolerated. In summary, the available evidence is currently insufficient to determine the role of this variant in disease. Therefore, it has been classified as a Variant of Uncertain Significance.

Ambry Genetics
Classification: Uncertain significance for Inborn genetic diseases. Last evaluated: 2021-09-16. Review status: criteria provided, single submitter. Criteria: Ambry Variant Classification Scheme 2023. Collection method: clinical testing. Allele origin: germline.

NM_022166.4(XYLT1):c.515C>T (p.Thr172Ile)

Genes: XYLT1 (xylosyltransferase 1; minus strand), LOC130058566 (ATAC-STARR-seq lymphoblastoid active region 10505; plus strand). Cytogenetic location: 16p12.3.
Variant type: single nucleotide variant.
Coding change: c.515C>T on transcript NM_022166.4 (MANE Select); coding-DNA position 515, C replaced by T.
Protein change: p.Thr172Ile; replaces threonine 172 with isoleucine.
Molecular consequence: missense variant.
Genome position (GRCh38, 1-based): chr16:17,259,386, G>A on the plus strand (C>T on the coding strand, the complement: XYLT1 is on the minus strand). VCF-style: chr16-17259386-G-A. GRCh37 (hg19) VCF-style: chr16-17353243-G-A.
Other names: c.515C>T (NM_022166.3); short protein forms T172I.
Identifiers: ClinVar variation 2066453 (VCV002066453.3), dbSNP rs772544986, ClinGen allele CA7928178.